The following is an entry in ClinVar:

ClinVar aggregate classification (germline): Uncertain significance (1 of 4 stars; one submission).

Conditions:
Retinoblastoma (RB1). Also called: RETINOBLASTOMA, SOMATIC. Identifiers: Orphanet 790, MedGen C0035335, MeSH D012175, MONDO:0008380, OMIM 180200, HP:0009919. Disease mechanism: loss of function. Inheritance: Both sporadic and heritable forms are tested..

Submission:

Labcorp Genetics (formerly Invitae), Labcorp
Classification: Uncertain significance for Retinoblastoma. Last evaluated: 2024-04-29. Review status: criteria provided, single submitter. Criteria: Invitae Variant Classification Sherloc (09022015). Collection method: clinical testing. Allele origin: germline.
Comment: This sequence change replaces alanine, which is neutral and non-polar, with proline, which is neutral and non-polar, at codon 562 of the RB1 protein (p.Ala562Pro). This variant is not present in population databases (gnomAD no frequency). This variant has not been reported in the literature in individuals affected with RB1-related conditions. ClinVar contains an entry for this variant (Variation ID: 1062105). Advanced modeling of protein sequence and biophysical properties (such as structural, functional, and spatial information, amino acid conservation, physicochemical variation, residue mobility, and thermodynamic stability) performed at Invitae indicates that this missense variant is expected to disrupt RB1 protein function with a positive predictive value of 80%. In summary, the available evidence is currently insufficient to determine the role of this variant in disease. Therefore, it has been classified as a Variant of Uncertain Significance.

NM_000321.3(RB1):c.1684G>C (p.Ala562Pro)

Gene: RB1 (RB transcriptional corepressor 1; plus strand). Cytogenetic location: 13q14.2.
Variant type: single nucleotide variant.
Coding change: c.1684G>C on transcript NM_000321.3 (MANE Select); coding-DNA position 1684, G replaced by C.
Protein change: p.Ala562Pro; replaces alanine 562 with proline.
Molecular consequence: missense variant.
Genome position (GRCh38, 1-based): chr13:48,381,432, G>C. VCF-style: chr13-48381432-G-C. GRCh37 (hg19) VCF-style: chr13-48955568-G-C.
Other names: short protein forms A562P.
Identifiers: ClinVar variation 1062105 (VCV001062105.9), dbSNP rs2138145788, ClinGen allele CA388164048.